The following is an entry in ClinVar:

NM_198529.4(EFCAB5):c.3755T>C (p.Val1252Ala)

Gene: EFCAB5 (EF-hand calcium binding domain 5; plus strand). Cytogenetic location: 17q11.2.
Variant type: single nucleotide variant.
Coding change: c.3755T>C on transcript NM_198529.4 (MANE Select); coding-DNA position 3755, T replaced by C.
Protein change: p.Val1252Ala; replaces valine 1252 with alanine.
Molecular consequence: missense variant.
Genome position (GRCh38, 1-based): chr17:30,090,492, T>C. VCF-style: chr17-30090492-T-C. GRCh37 (hg19) VCF-style: chr17-28417510-T-C.
Other names: short protein forms V1252A.
Identifiers: ClinVar variation 3050078 (VCV003050078.2), dbSNP rs4499292, ClinGen allele CA8479365.

ClinVar aggregate classification (germline): Likely benign (0 of 4 stars; one submission).

Conditions:
EFCAB5-related disorder. Also called: EFCAB5-related condition.

Allele frequency attached by ClinVar (database versions not stated): gnomAD exomes 0.00036; ExAC 0.00106; ESP Exome Variant Server 0.00361; gnomAD 0.00413; TOPMed 0.00451; 1000 Genomes Project 0.00479; 1000 Genomes Project 30x 0.00562.
gnomAD v4.1: 1,171 of 1,614,020 alleles (0.073%); highest among the groups gnomAD compares: African/African-American, 1.3%; 7 homozygotes.

Submission:

PreventionGenetics, part of Exact Sciences
Classification: Likely benign for EFCAB5-related condition. Last evaluated: 2020-12-21. Review status: no assertion criteria provided. Collection method: clinical testing. Allele origin: germline.
Comment: This variant is classified as likely benign based on ACMG/AMP sequence variant interpretation guidelines (Richards et al. 2015 PMID: 25741868, with internal and published modifications).